The following is an entry in ClinVar:

NM_032435.3(MAP3K21):c.1790C>T (p.Ser597Phe)

Gene: MAP3K21 (mitogen-activated protein kinase kinase kinase 21; plus strand). Cytogenetic location: 1q42.2.
Variant type: single nucleotide variant.
Coding change: c.1790C>T on transcript NM_032435.3 (MANE Select); coding-DNA position 1790, C replaced by T.
Protein change: p.Ser597Phe; replaces serine 597 with phenylalanine.
Molecular consequence: missense variant.
Genome position (GRCh38, 1-based): chr1:233,376,030, C>T. VCF-style: chr1-233376030-C-T. GRCh37 (hg19) VCF-style: chr1-233511776-C-T.
Other names: short protein forms S597F.
Identifiers: ClinVar variation 2640090 (VCV002640090.24), dbSNP rs34984140, ClinGen allele CA1458869.

ClinVar aggregate classification (germline): Likely benign (1 of 4 stars; one submission).

Allele frequency attached by ClinVar (database versions not stated): ESP Exome Variant Server 0.00192; 1000 Genomes Project 0.00200; 1000 Genomes Project 30x 0.00203; ExAC 0.00257; gnomAD exomes 0.00264.
gnomAD v4.1: 4,234 of 1,608,574 alleles (0.26%); highest among the groups gnomAD compares: Non-Finnish European, 0.29%; 7 homozygotes.

Submission:

CeGaT Center for Human Genetics Tuebingen
Classification: Likely benign. Last evaluated: 2024-03-01. Review status: criteria provided, single submitter. Criteria: CeGaT Center For Human Genetics Tuebingen Variant Classification Criteria Version 2. Collection method: clinical testing. Allele origin: germline. Affected: yes. Observed: 2 variant alleles.
Comment: MAP3K21: BP4, BS2